The following is an entry in ClinVar:

ClinVar aggregate classification (germline): Uncertain significance. Review status: criteria provided, multiple submitters, no conflicts (2 of 4 stars). 2 submissions from 2 submitters: Uncertain significance (2). Last evaluated 2026-06-02.

Conditions:
Cardiovascular phenotype. Identifiers: MedGen CN230736.
Hereditary cancer-predisposing syndrome. Also called: Hereditary neoplastic syndrome; Tumor predisposition; Hereditary Cancer Syndrome; Neoplastic Syndromes, Hereditary. Identifiers: Orphanet 140162, MedGen C0027672, MeSH D009386, MONDO:0015356.

Submissions (2):

Ambry Genetics
Classification: Uncertain significance for Cardiovascular phenotype; Hereditary cancer-predisposing syndrome. Last evaluated: 2026-06-02. Review status: criteria provided, single submitter. Criteria: Ambry Variant Classification Scheme 2023. Collection method: clinical testing. Allele origin: germline.
Comment: The p.N253K variant (also known as c.759C>G), located in coding exon 8 of the LZTR1 gene, results from a C to G substitution at nucleotide position 759. The asparagine at codon 253 is replaced by lysine, an amino acid with similar properties. This amino acid position is conserved. In addition, this alteration is predicted to be tolerated by in silico analysis. Based on the available evidence, the clinical significance of this variant remains unclear.

Labcorp Genetics (formerly Invitae), Labcorp
Classification: Uncertain significance. Last evaluated: 2024-10-26. Review status: criteria provided, single submitter. Criteria: Invitae Variant Classification Sherloc (09022015). Collection method: clinical testing. Allele origin: germline.
Comment: This sequence change replaces asparagine, which is neutral and polar, with lysine, which is basic and polar, at codon 253 of the LZTR1 protein (p.Asn253Lys). This variant is not present in population databases (gnomAD no frequency). This variant has not been reported in the literature in individuals affected with LZTR1-related conditions. Invitae Evidence Modeling of protein sequence and biophysical properties (such as structural, functional, and spatial information, amino acid conservation, physicochemical variation, residue mobility, and thermodynamic stability) indicates that this missense variant is not expected to disrupt LZTR1 protein function with a negative predictive value of 80%. In summary, the available evidence is currently insufficient to determine the role of this variant in disease. Therefore, it has been classified as a Variant of Uncertain Significance.

NM_006767.4(LZTR1):c.759C>G (p.Asn253Lys)

Gene: LZTR1 (leucine zipper like post translational regulator 1; plus strand). Cytogenetic location: 22q11.21.
Variant type: single nucleotide variant.
Coding change: c.759C>G on transcript NM_006767.4 (MANE Select); coding-DNA position 759, C replaced by G.
Protein change: p.Asn253Lys; replaces asparagine 253 with lysine.
Molecular consequence: missense variant.
Genome position (GRCh38, 1-based): chr22:20,990,493, C>G. VCF-style: chr22-20990493-C-G. GRCh37 (hg19) VCF-style: chr22-21344782-C-G.
Other names: c.759C>G (NM_006767.3); short protein forms N253K.
Identifiers: ClinVar variation 3673625 (VCV003673625.3).
Genomic context (GRCh38, chr22:20,990,493, plus strand): 5'-GGCTGTGTGCCGGGACAAGATGTTTGTATTCTCTGGGCAAAGCGGAGCCAAAATAACCAA[C>G]AACCTCTTCCAGTTTGAATTCAAGGACAAGACGTGAGTACTCTGGCCAGTGGGGTGGAGG-3'
Protein context (NP_006758.2, residues 243-263): FSGQSGAKIT[Asn253Lys]NLFQFEFKDK